The following is an entry in ClinVar:

ClinVar aggregate classification (germline): Uncertain significance. Review status: criteria provided, multiple submitters, no conflicts (2 of 4 stars). 2 submissions from 2 submitters: Uncertain significance (2). Last evaluated 2023-12-03.

Conditions:
Primary dilated cardiomyopathy (DCM). Also called: Dilated Cardiomyopathy. Identifiers: Orphanet 217604, MedGen C0007193, MeSH D002311, MONDO:0005021, HP:0001644. Inheritance: Various modes of inheritance.
Hypertrophic cardiomyopathy. Also called: HYPERTROPHIC MYOCARDIOPATHY. Identifiers: Orphanet 217569, MedGen C0007194, MeSH D002312, MONDO:0005045, HP:0001639.

Allele frequency attached by ClinVar (database versions not stated): TOPMed below 0.00001; gnomAD 0.00001.
gnomAD v4.1: 2 of 1,613,590 alleles (0.00012%); highest among the groups gnomAD compares: Non-Finnish European, 0.00017%; no homozygotes.

Submissions (2):

Labcorp Genetics (formerly Invitae), Labcorp
Classification: Uncertain significance for Hypertrophic cardiomyopathy; Primary dilated cardiomyopathy. Last evaluated: 2023-12-03. Review status: criteria provided, single submitter. Criteria: Invitae Variant Classification Sherloc (09022015). Collection method: clinical testing. Allele origin: germline.
Comment: This sequence change replaces lysine, which is basic and polar, with isoleucine, which is neutral and non-polar, at codon 296 of the PDLIM3 protein (p.Lys296Ile). This variant is not present in population databases (gnomAD no frequency). This variant has not been reported in the literature in individuals affected with PDLIM3-related conditions. Advanced modeling of protein sequence and biophysical properties (such as structural, functional, and spatial information, amino acid conservation, physicochemical variation, residue mobility, and thermodynamic stability) performed at Invitae indicates that this missense variant is not expected to disrupt PDLIM3 protein function with a negative predictive value of 80%. In summary, the available evidence is currently insufficient to determine the role of this variant in disease. Therefore, it has been classified as a Variant of Uncertain Significance.

Ambry Genetics
Classification: Uncertain significance. Last evaluated: 2021-11-19. Review status: criteria provided, single submitter. Criteria: Ambry Variant Classification Scheme 2023. Collection method: clinical testing. Allele origin: germline.
Comment: The p.K296I variant (also known as c.887A>T), located in coding exon 7 of the PDLIM3 gene, results from an A to T substitution at nucleotide position 887. The lysine at codon 296 is replaced by isoleucine, an amino acid with dissimilar properties. This amino acid position is conserved. In addition, the in silico prediction for this alteration is inconclusive. Since supporting evidence is limited at this time, the clinical significance of this alteration remains unclear.

NM_014476.6(PDLIM3):c.887A>T (p.Lys296Ile)

Gene: PDLIM3 (PDZ and LIM domain 3; minus strand). Cytogenetic location: 4q35.1.
Variant type: single nucleotide variant.
Coding change: c.887A>T on transcript NM_014476.6 (MANE Select); coding-DNA position 887, A replaced by T.
Protein change: p.Lys296Ile; replaces lysine 296 with isoleucine.
Molecular consequence: missense variant. On other transcripts: non-coding transcript variant (1).
Genome position (GRCh38, 1-based): chr4:185,504,493, T>A on the plus strand (A>T on the coding strand, the complement: PDLIM3 is on the minus strand). VCF-style: chr4-185504493-T-A. GRCh37 (hg19) VCF-style: chr4-186425647-T-A.
Other names: c.887A>T (NM_014476.4); c.743A>T, p.Lys248Ile (NM_001114107.5); c.623A>T, p.Lys208Ile (NM_001257962.2); c.386A>T, p.Lys129Ile (NM_001257963.2); short protein forms K208I, K129I, K248I, K296I.
Identifiers: ClinVar variation 2925187 (VCV002925187.4), dbSNP rs763164171, ClinGen allele CA358921018.